The following is an entry in ClinVar:

ClinVar aggregate classification (germline): Conflicting classifications of pathogenicity. Review status: criteria provided, conflicting classifications (1 of 4 stars). 3 submissions from 3 submitters: Likely pathogenic (1); Uncertain significance (2). Last evaluated 2024-01-11.

Conditions:
Catecholaminergic polymorphic ventricular tachycardia (CVPT). Also called: Catecholamine-induced polymorphic ventricular tachycardia. Identifiers: Orphanet 3286, MedGen C5574922, MONDO:0017990.
Cardiomyopathy (CMYO). Also called: Cardiomyopathies. Identifiers: Orphanet 167848, MedGen C0878544, MONDO:0004994, HP:0001638. Inheritance: Various modes of inheritance.
Catecholaminergic polymorphic ventricular tachycardia 1. Also called: VENTRICULAR TACHYCARDIA, CATECHOLAMINERGIC POLYMORPHIC, 1, WITH OR WITHOUT ATRIAL DYSFUNCTION AND/OR DILATED CARDIOMYOPATHY; RYR2-Related Catecholaminergic Polymorphic Ventricular Tachycardia; VENTRICULAR TACHYCARDIA, STRESS-INDUCED POLYMORPHIC 1. Identifiers: Orphanet 3286, MedGen C1631597, MONDO:0011484, OMIM 604772.

Allele frequency attached by ClinVar (database versions not stated): TOPMed below 0.00001.

Submissions (3):

All of Us Research Program, National Institutes of Health
Classification: Uncertain significance for Catecholaminergic polymorphic ventricular tachycardia. Last evaluated: 2024-01-11. Review status: criteria provided, single submitter. Criteria: ACMG Guidelines, 2015. Collection method: clinical testing. Allele origin: germline. Inheritance: Autosomal dominant inheritance. Observed: 1 variant allele, 1 heterozygote.
Comment: This missense variant replaces aspartic acid with asparagine at codon 4745 of the RYR2 protein. Computational prediction tools and conservation analyses suggest that this variant may have deleterious impact on the protein function. Computational splicing tools suggest that this variant may not impact RNA splicing. To our knowledge, functional assays have not been performed for this variant nor has this variant been reported in individuals affected with cardiovascular disorders in the literature. This variant has not been identified in the general population by the Genome Aggregation Database (gnomAD). Available evidence is insufficient to determine the role of this variant in disease conclusively. Therefore, this variant is classified as a Variant of Uncertain Significance.

This study involves interpretation of variants in research participants for the purpose of population health screening. Participant phenotype was not available at the time of variant classification. Additional details can be found in publication PMID: 35346344, PMCID: PMC8962531

Labcorp Genetics (formerly Invitae), Labcorp
Classification: Likely pathogenic for Catecholaminergic polymorphic ventricular tachycardia 1. Last evaluated: 2022-10-25. Review status: criteria provided, single submitter. Criteria: Invitae Variant Classification Sherloc (09022015). Collection method: clinical testing. Allele origin: germline.
Comment: Advanced modeling of protein sequence and biophysical properties (such as structural, functional, and spatial information, amino acid conservation, physicochemical variation, residue mobility, and thermodynamic stability) performed at Invitae indicates that this missense variant is expected to disrupt RYR2 protein function. This variant disrupts the p.Asp4745 amino acid residue in RYR2. Other variant(s) that disrupt this residue have been determined to be pathogenic (Invitae). This suggests that this residue is clinically significant, and that variants that disrupt this residue are likely to be disease-causing. In summary, the currently available evidence indicates that the variant is pathogenic, but additional data are needed to prove that conclusively. Therefore, this variant has been classified as Likely Pathogenic. This sequence change replaces aspartic acid, which is acidic and polar, with asparagine, which is neutral and polar, at codon 4745 of the RYR2 protein (p.Asp4745Asn). This variant is not present in population databases (gnomAD no frequency). This missense change has been observed in individual(s) with clinical features of autosomal dominant RYR2-related conditions (Invitae). ClinVar contains an entry for this variant (Variation ID: 922371).

Color Diagnostics, LLC DBA Color Health
Classification: Uncertain significance for Cardiomyopathy. Last evaluated: 2019-07-19. Review status: criteria provided, single submitter. Criteria: ACMG Guidelines, 2015. Collection method: clinical testing. Allele origin: germline.
Comment: This missense variant replaces aspartic acid with asparagine at codon 4745 of the RYR2 protein. Computational prediction tools and conservation analyses suggest that this variant may have deleterious impact on the protein function. Computational splicing tools suggest that this variant may not impact RNA splicing. To our knowledge, functional assays have not been performed for this variant nor has this variant been reported in individuals affected with cardiovascular disorders in the literature. This variant has not been identified in the general population by the Genome Aggregation Database (gnomAD). Available evidence is insufficient to determine the role of this variant in disease conclusively. Therefore, this variant is classified as a Variant of Uncertain Significance.

NM_001035.3(RYR2):c.14233G>A (p.Asp4745Asn)

Gene: RYR2 (ryanodine receptor 2; plus strand). Cytogenetic location: 1q43.
Variant type: single nucleotide variant.
Coding change: c.14233G>A on transcript NM_001035.3 (MANE Select); coding-DNA position 14233, G replaced by A.
Protein change: p.Asp4745Asn; replaces aspartic acid 4745 with asparagine.
Molecular consequence: missense variant.
Genome position (GRCh38, 1-based): chr1:237,806,218, G>A. VCF-style: chr1-237806218-G-A. GRCh37 (hg19) VCF-style: chr1-237969518-G-A.
Other names: short protein forms D4745N.
Identifiers: ClinVar variation 922371 (VCV000922371.8), dbSNP rs1660618055, ClinGen allele CA345423069.
Genomic context (GRCh38, chr1:237,806,218, plus strand): 5'-TATATGACTATGTCTGTTCTTGGACACTATAACAACTTTTTTTTTGCCGCTCACCTTCTC[G>A]ACATTGCTATGGGATTCAAGACATTAAGAACCATCTTGTCCTCAGTAACTCACAATGGCA-3'
Protein context (NP_001026.2, residues 4735-4755): NNFFFAAHLL[Asp4745Asn]IAMGFKTLRT